The following is an entry in ClinVar:

ClinVar aggregate classification (germline): Likely pathogenic (1 of 4 stars; one submission).

Conditions:
Developmental delay with variable intellectual disability and dysmorphic facies. Identifiers: MedGen C5774242, MONDO:0859306, OMIM 620098.

Submission:

3billion
Classification: Likely pathogenic for Developmental delay with variable intellectual disability and dysmorphic facies. Last evaluated: 2025-11-05. Review status: criteria provided, single submitter. Criteria: ACMG Guidelines, 2015. Collection method: clinical testing. Allele origin: germline. Affected: yes.
Comment: The variant is not observed in the gnomAD v4.1.0 dataset. Predicted Consequence/Location: Frameshift: predicted to result in a loss or disruption of normal protein function through nonsense-mediated decay (NMD) or protein truncation. Multiple pathogenic variants are reported downstream of the variant. Therefore, this variant is classified as Likely pathogenic according to the recommendation of ACMG/AMP guideline.

NM_004973.4(JARID2):c.1274_1290del (p.Arg425fs)

Gene: JARID2 (jumonji and AT-rich interaction domain containing 2; plus strand). Cytogenetic location: 6p22.3.
Variant type: Deletion.
Coding change: c.1274_1290del on transcript NM_004973.4 (MANE Select); coding-DNA positions 1274 to 1290, 17 bases deleted (GGCAGCTGCGGGAGGGC).
Protein change: p.Arg425fs; shifts the reading frame from arginine 425.
Molecular consequence: frameshift variant.
Genome position (GRCh38, 1-based): chr6:15,496,499-15,496,515, GGCAGCTGCGGGAGGGC deleted; deleting any 17 consecutive bases within chr6:15,496,495-15,496,515 gives the same sequence; the c. name uses the placement nearest the transcript's 3' end. VCF-style (leftmost placement, unchanged base first): chr6-15496494-GGGGCGGCAGCTGCGGGA-G. GRCh37 (hg19) VCF-style: chr6-15496725-GGGGCGGCAGCTGCGGGA-G.
Other names: c.758_774del, p.Arg253fs (NM_001267040.1); short protein forms R253fs, R425fs.
Identifiers: ClinVar variation 4854820 (VCV004854820.1).
Genomic context (GRCh38, chr6:15,496,494, plus strand): 5'-CGTCAATGGCCTCAAGGTCAGTGGCAGGTTGAACCCAAAGTCATGCACTAAGGAGGTGGG[GGGGCGGCAGCTGCGGGA>G]GGGCCTGCAGCTGCGGGAGGGGCTGCGGAACTCCAAGAGGAGACTGGAAGAGGCACACCA-3'